The following is an entry in ClinVar:

ClinVar aggregate classification (germline): Uncertain significance (1 of 4 stars; one submission).

Conditions:
Hereditary cancer-predisposing syndrome. Also called: Tumor predisposition; Neoplastic Syndromes, Hereditary; Hereditary Cancer Syndrome; Hereditary neoplastic syndrome. Identifiers: Orphanet 140162, MedGen C0027672, MeSH D009386, MONDO:0015356.

Submission:

Ambry Genetics
Classification: Uncertain significance for Hereditary cancer-predisposing syndrome. Last evaluated: 2018-08-06. Review status: criteria provided, single submitter. Criteria: Ambry Variant Classification Scheme 2023. Collection method: clinical testing. Allele origin: germline.
Comment: The p.F1049V variant (also known as c.3145T>G), located in coding exon 19 of the BRIP1 gene, results from a T to G substitution at nucleotide position 3145. The phenylalanine at codon 1049 is replaced by valine, an amino acid with highly similar properties. This amino acid position is poorly conserved in available vertebrate species. In addition, this alteration is predicted to be tolerated by in silico analysis. Since supporting evidence is limited at this time, the clinical significance of this alteration remains unclear.

NM_032043.3(BRIP1):c.3145T>G (p.Phe1049Val)

Gene: BRIP1 (BRCA1 interacting DNA helicase 1; minus strand). Cytogenetic location: 17q23.2.
Variant type: single nucleotide variant.
Coding change: c.3145T>G on transcript NM_032043.3 (MANE Select); coding-DNA position 3145, T replaced by G.
Protein change: p.Phe1049Val; replaces phenylalanine 1049 with valine.
Molecular consequence: missense variant.
Genome position (GRCh38, 1-based): chr17:61,683,901, A>C on the plus strand (T>G on the coding strand, the complement: BRIP1 is on the minus strand). VCF-style: chr17-61683901-A-C. GRCh37 (hg19) VCF-style: chr17-59761262-A-C.
Other names: short protein forms F1049V.
Identifiers: ClinVar variation 1728125 (VCV001728125.2), dbSNP rs772507914, ClinGen allele CA400479568.